The following is an entry in ClinVar:

NM_000382.3(ALDH3A2):c.125T>C (p.Leu42Pro)

Gene: ALDH3A2 (aldehyde dehydrogenase 3 family member A2; plus strand). Cytogenetic location: 17p11.2.
Variant type: single nucleotide variant.
Coding change: c.125T>C on transcript NM_000382.3 (MANE Select); coding-DNA position 125, T replaced by C.
Protein change: p.Leu42Pro; replaces leucine 42 with proline.
Molecular consequence: missense variant. On other transcripts: 5 prime UTR variant (1).
Genome position (GRCh38, 1-based): chr17:19,649,096, T>C. VCF-style: chr17-19649096-T-C. GRCh37 (hg19) VCF-style: chr17-19552409-T-C.
Other names: c.125T>C, p.Leu42Pro (NM_001031806.2, NM_001369136.1, NM_001369137.2 and 3 more transcripts); c.-564T>C (NM_001369148.2); short protein forms L42P.
Identifiers: ClinVar variation 2129366 (VCV002129366.4), dbSNP rs2084778036, ClinGen allele CA398700896.

ClinVar aggregate classification (germline): Uncertain significance (1 of 4 stars; one submission).

Submission:

Labcorp Genetics (formerly Invitae), Labcorp
Classification: Uncertain significance. Last evaluated: 2025-06-02. Review status: criteria provided, single submitter. Criteria: Invitae Variant Classification Sherloc (09022015). Collection method: clinical testing. Allele origin: germline.
Comment: This sequence change replaces leucine, which is neutral and non-polar, with proline, which is neutral and non-polar, at codon 42 of the ALDH3A2 protein (p.Leu42Pro). This variant is not present in population databases (gnomAD no frequency). This variant has not been reported in the literature in individuals affected with ALDH3A2-related conditions. ClinVar contains an entry for this variant (Variation ID: 2129366). Invitae Evidence Modeling of protein sequence and biophysical properties (such as structural, functional, and spatial information, amino acid conservation, physicochemical variation, residue mobility, and thermodynamic stability) has been performed for this missense variant. However, the output from this modeling did not meet the statistical confidence thresholds required to predict the impact of this variant on ALDH3A2 protein function. In summary, the available evidence is currently insufficient to determine the role of this variant in disease. Therefore, it has been classified as a Variant of Uncertain Significance.